The following is an entry in ClinVar:

ClinVar aggregate classification (germline): Uncertain significance (1 of 4 stars; one submission).

Allele frequency attached by ClinVar (database versions not stated): gnomAD exomes 0.00001.
gnomAD v4.1: 28 of 1,540,930 alleles (0.0018%); highest among the groups gnomAD compares: Non-Finnish European, 0.0023%; no homozygotes.

Submission:

Labcorp Genetics (formerly Invitae), Labcorp
Classification: Uncertain significance. Last evaluated: 2023-06-13. Review status: criteria provided, single submitter. Criteria: Invitae Variant Classification Sherloc (09022015). Collection method: clinical testing. Allele origin: germline.
Comment: In summary, the available evidence is currently insufficient to determine the role of this variant in disease. Therefore, it has been classified as a Variant of Uncertain Significance. Variants that disrupt the consensus splice site are a relatively common cause of aberrant splicing (PMID: 17576681, 9536098). Algorithms developed to predict the effect of sequence changes on RNA splicing suggest that this variant is not likely to affect RNA splicing. ClinVar contains an entry for this variant (Variation ID: 1524409). This variant has not been reported in the literature in individuals affected with IDH3A-related conditions. The frequency data for this variant in the population databases is considered unreliable, as metrics indicate poor data quality at this position in the gnomAD database. This sequence change falls in intron 1 of the IDH3A gene. It does not directly change the encoded amino acid sequence of the IDH3A protein. It affects a nucleotide within the consensus splice site.

Literature cited by the submitters: PubMed 17576681; PubMed 9536098.

NM_005530.3(IDH3A):c.27+5G>A

Genes: IDH3A (isocitrate dehydrogenase (NAD(+)) 3 catalytic subunit alpha; plus strand), LOC130057684 (ATAC-STARR-seq lymphoblastoid silent region 6706; plus strand). Cytogenetic location: 15q25.1.
Variant type: single nucleotide variant.
Coding change: c.27+5G>A on transcript NM_005530.3 (MANE Select); 5 bases into the intron after coding-DNA position 27, G replaced by A.
Molecular consequence: intron variant.
Genome position (GRCh38, 1-based): chr15:78,149,435, G>A. VCF-style: chr15-78149435-G-A. GRCh37 (hg19) VCF-style: chr15-78441777-G-A.
Identifiers: ClinVar variation 1524409 (VCV001524409.4), dbSNP rs755329500, ClinGen allele CA7680437.